The following is an entry in ClinVar:

NM_012254.3(SLC27A5):c.1105G>A (p.Asp369Asn)

Gene: SLC27A5 (solute carrier family 27 member 5; minus strand). Cytogenetic location: 19q13.43.
Variant type: single nucleotide variant.
Coding change: c.1105G>A on transcript NM_012254.3 (MANE Select); coding-DNA position 1105, G replaced by A.
Protein change: p.Asp369Asn; replaces aspartic acid 369 with asparagine.
Molecular consequence: missense variant.
Genome position (GRCh38, 1-based): chr19:58,501,363, C>T on the plus strand (G>A on the coding strand, the complement: SLC27A5 is on the minus strand). VCF-style: chr19-58501363-C-T. GRCh37 (hg19) VCF-style: chr19-59012730-C-T.
Other names: c.853G>A, p.Asp285Asn (NM_001321196.2); short protein forms D369N, D285N.
Identifiers: ClinVar variation 3319381 (VCV003319381.2).

ClinVar aggregate classification (germline): Uncertain significance. Review status: criteria provided, multiple submitters, no conflicts (2 of 4 stars). 2 submissions from 2 submitters: Uncertain significance (2). Last evaluated 2025-07-21.

gnomAD v4.1: 10 of 1,613,640 alleles (0.00062%); highest among the groups gnomAD compares: African/African-American, 0.008%; no homozygotes.

Submissions (2):

Labcorp Genetics (formerly Invitae), Labcorp
Classification: Uncertain significance. Last evaluated: 2025-07-21. Review status: criteria provided, single submitter. Criteria: Invitae Variant Classification Sherloc (09022015). Collection method: clinical testing. Allele origin: germline.
Comment: This sequence change replaces aspartic acid, which is acidic and polar, with asparagine, which is neutral and polar, at codon 369 of the SLC27A5 protein (p.Asp369Asn). This variant is not present in population databases (gnomAD no frequency). This variant has not been reported in the literature in individuals affected with SLC27A5-related conditions. ClinVar contains an entry for this variant (Variation ID: 3319381). An algorithm developed to predict the effect of missense changes on protein structure and function outputs the following: PolyPhen-2: "Benign". The asparagine amino acid residue is found in multiple mammalian species, which suggests that this missense change does not adversely affect protein function. In summary, the available evidence is currently insufficient to determine the role of this variant in disease. Therefore, it has been classified as a Variant of Uncertain Significance.

Ambry Genetics
Classification: Uncertain significance. Last evaluated: 2024-04-19. Review status: criteria provided, single submitter. Criteria: Ambry Variant Classification Scheme 2023. Collection method: clinical testing. Allele origin: germline.